The following is an entry in ClinVar:

ClinVar aggregate classification (germline): Uncertain significance (1 of 4 stars; one submission).

Conditions:
Inflammatory bowel disease. Identifiers: Orphanet 104012, MedGen C0021390, MONDO:0005265.

gnomAD v4.1: 3 of 1,604,728 alleles (0.00019%); highest among the groups gnomAD compares: Admixed American, 0.0033%; no homozygotes.

Submission:

Labcorp Genetics (formerly Invitae), Labcorp
Classification: Uncertain significance for Inflammatory bowel disease. Last evaluated: 2025-07-09. Review status: criteria provided, single submitter. Criteria: Invitae Variant Classification Sherloc (09022015). Collection method: clinical testing. Allele origin: germline.
Comment: This sequence change replaces isoleucine, which is neutral and non-polar, with valine, which is neutral and non-polar, at codon 154 of the IL10 protein (p.Ile154Val). This variant is present in population databases (no rsID available, gnomAD 0.003%). This variant has not been reported in the literature in individuals affected with IL10-related conditions. An algorithm developed to predict the effect of missense changes on protein structure and function outputs the following: PolyPhen-2: "Benign". The valine amino acid residue is found in multiple mammalian species, which suggests that this missense change does not adversely affect protein function. In summary, the available evidence is currently insufficient to determine the role of this variant in disease. Therefore, it has been classified as a Variant of Uncertain Significance.

NM_000572.3(IL10):c.460A>G (p.Ile154Val)

Gene: IL10 (interleukin 10; minus strand). Cytogenetic location: 1q32.1.
Variant type: single nucleotide variant.
Coding change: c.460A>G on transcript NM_000572.3 (MANE Select); coding-DNA position 460, A replaced by G.
Protein change: p.Ile154Val; replaces isoleucine 154 with valine.
Molecular consequence: missense variant. On other transcripts: non-coding transcript variant (2).
Genome position (GRCh38, 1-based): chr1:206,768,713, T>C on the plus strand (A>G on the coding strand, the complement: IL10 is on the minus strand). VCF-style: chr1-206768713-T-C. GRCh37 (hg19) VCF-style: chr1-206942058-T-C.
Other names: c.205A>G, p.Ile69Val (NM_001382624.1); short protein forms I154V, I69V.
Identifiers: ClinVar variation 4776400 (VCV004776400.1).